The following is an entry in ClinVar:

NM_001352514.2(HLCS):c.215A>T (p.Lys72Met)

Gene: HLCS (holocarboxylase synthetase; minus strand). Cytogenetic location: 21q22.13.
Variant type: single nucleotide variant.
Coding change: c.215A>T on transcript NM_001352514.2 (MANE Select); coding-DNA position 215, A replaced by T.
Protein change: p.Lys72Met; replaces lysine 72 with methionine.
Molecular consequence: missense variant. On other transcripts: 5 prime UTR variant (7), non-coding transcript variant (2).
Genome position (GRCh38, 1-based): chr21:36,962,151, T>A on the plus strand (A>T on the coding strand, the complement: HLCS is on the minus strand). VCF-style: chr21-36962151-T-A. GRCh37 (hg19) VCF-style: chr21-38334451-T-A.
Other names: c.-373A>T (NM_000411.8, NM_001242785.2); c.-1182A>T (NM_001242784.3); c.-227A>T (NM_001352515.2, NM_001352516.2, NM_001352517.1 and 1 more transcripts); c.215A>T (NM_001352514.1); short protein forms K72M.
Identifiers: ClinVar variation 339979 (VCV000339979.7), dbSNP rs191115811, ClinGen allele CA10020809.

ClinVar aggregate classification (germline): Conflicting classifications of pathogenicity. Review status: criteria provided, conflicting classifications (1 of 4 stars). 3 submissions from 3 submitters: Uncertain significance (1); Likely benign (1). 1 of the submissions does not count toward it. Last evaluated 2018-01-13.

Conditions:
HLCS-related disorder. Also called: HLCS-related condition.
Holocarboxylase synthetase deficiency. Also called: MULTIPLE CARBOXYLASE DEFICIENCY, EARLY ONSET. Identifiers: Orphanet 79242, MedGen C0268581, MONDO:0009666, OMIM 253270.

Allele frequency attached by ClinVar (database versions not stated): 1000 Genomes Project 0.00020; 1000 Genomes Project 30x 0.00031; gnomAD 0.00045; ExAC 0.00049; TOPMed 0.00049; gnomAD exomes 0.00060 and 0.00072.
gnomAD v4.1: 889 of 1,288,826 alleles (0.069%); highest among the groups gnomAD compares: Middle Eastern, 0.085%; 1 homozygote.

Submissions (3):

Illumina Laboratory Services, Illumina
Classification: Uncertain significance for Holocarboxylase synthetase deficiency. Last evaluated: 2018-01-13. Review status: criteria provided, single submitter. Criteria: ICSL Variant Classification Criteria 13 December 2019. Collection method: clinical testing. Allele origin: germline.

GeneDx
Classification: Likely benign. Last evaluated: 2017-07-07. Review status: criteria provided, single submitter. Criteria: GeneDx Variant Classification (06012015). Collection method: clinical testing. Allele origin: germline. Affected: yes.
Comment: This variant is considered likely benign or benign based on one or more of the following criteria: it is a conservative change, it occurs at a poorly conserved position in the protein, it is predicted to be benign by multiple in silico algorithms, and/or has population frequency not consistent with disease.

PreventionGenetics, part of Exact Sciences
Classification: Likely benign for HLCS-related condition. Last evaluated: 2021-11-15. Review status: no assertion criteria provided. Collection method: clinical testing. Allele origin: germline. Not counted in ClinVar's aggregate classification.
Comment: This variant is classified as likely benign based on ACMG/AMP sequence variant interpretation guidelines (Richards et al. 2015 PMID: 25741868, with internal and published modifications).